The following is an entry in ClinVar:

NM_001080467.3(MYO5B):c.1125G>A (p.Trp375Ter)

Gene: MYO5B (myosin VB; minus strand). Cytogenetic location: 18q21.1.
Variant type: single nucleotide variant.
Coding change: c.1125G>A on transcript NM_001080467.3 (MANE Select); coding-DNA position 1125, G replaced by A.
Protein change: p.Trp375Ter; replaces tryptophan 375 with a stop codon.
Molecular consequence: nonsense.
Genome position (GRCh38, 1-based): chr18:49,974,547, C>T on the plus strand (G>A on the coding strand, the complement: MYO5B is on the minus strand). VCF-style: chr18-49974547-C-T. GRCh37 (hg19) VCF-style: chr18-47500917-C-T.
Other names: short protein forms W375*.
Identifiers: ClinVar variation 4250 (VCV000004250.7), dbSNP rs121908104, ClinGen allele CA116743.

ClinVar aggregate classification (germline): Pathogenic. Review status: criteria provided, single submitter (1 of 4 stars). 2 submissions from 2 submitters: Pathogenic (1). 1 of the submissions does not count toward it. Last evaluated 2023-11-25.

Conditions:
Congenital microvillous atrophy (DIAR2). Also called: CONGENITAL FAMILIAL PROTRACTED DIARRHEA WITH ENTEROCYTE BRUSH-BORDER ABNORMALITIES; DAVIDSON DISEASE; MICROVILLUS ATROPHY, CONGENITAL; Microvillus inclusion disease; Diarrhea 2 with microvillus atrophy, with or without cholestasis. Identifiers: Orphanet 2290, MedGen C0341306, MONDO:0009635, OMIM 251850.

Allele frequency attached by ClinVar (database versions not stated): gnomAD exomes 0.00001; ExAC 0.00002; TOPMed 0.00002; gnomAD 0.00003.
gnomAD v4.1: 21 of 1,613,988 alleles (0.0013%); highest among the groups gnomAD compares: Non-Finnish European, 0.0016%; no homozygotes.

Submissions (2):

Labcorp Genetics (formerly Invitae), Labcorp
Classification: Pathogenic. Last evaluated: 2023-11-25. Review status: criteria provided, single submitter. Criteria: Invitae Variant Classification Sherloc (09022015). Collection method: clinical testing. Allele origin: germline.
Comment: This sequence change creates a premature translational stop signal (p.Trp375*) in the MYO5B gene. It is expected to result in an absent or disrupted protein product. Loss-of-function variants in MYO5B are known to be pathogenic (PMID: 18724368, 20186687). This variant is present in population databases (rs121908104, gnomAD 0.003%). This premature translational stop signal has been observed in individual(s) with microvillus inclusion disease (PMID: 18724368). ClinVar contains an entry for this variant (Variation ID: 4250). Algorithms developed to predict the effect of variants on protein structure and function are not available or were not evaluated for this variant. Experimental studies have shown that this premature translational stop signal affects MYO5B function (PMID: 26553929). For these reasons, this variant has been classified as Pathogenic.

OMIM
Classification: Pathogenic for DIARRHEA 2, WITH MICROVILLUS ATROPHY. Last evaluated: 2008-10-01. Review status: no assertion criteria provided. Collection method: literature only. Allele origin: germline. Not counted in ClinVar's aggregate classification.

Literature cited by the submitters: PubMed 18724368 (cited by Labcorp Genetics (formerly Invitae), Labcorp and OMIM); PubMed 20186687 (cited by Labcorp Genetics (formerly Invitae), Labcorp); PubMed 26553929 (cited by Labcorp Genetics (formerly Invitae), Labcorp).